The following is an entry in ClinVar:

NM_001357.5(DHX9):c.1756C>G (p.Pro586Ala)

Gene: DHX9 (DExH-box helicase 9; plus strand). Cytogenetic location: 1q25.3.
Variant type: single nucleotide variant.
Coding change: c.1756C>G on transcript NM_001357.5 (MANE Select); coding-DNA position 1756, C replaced by G.
Protein change: p.Pro586Ala; replaces proline 586 with alanine.
Molecular consequence: missense variant. On other transcripts: non-coding transcript variant (1).
Genome position (GRCh38, 1-based): chr1:182,874,895, C>G. VCF-style: chr1-182874895-C-G. GRCh37 (hg19) VCF-style: chr1-182844030-C-G.
Other names: short protein forms P586A.
Identifiers: ClinVar variation 3769940 (VCV003769940.2).

ClinVar aggregate classification (germline): Uncertain significance. Review status: criteria provided, multiple submitters, no conflicts (2 of 4 stars). 2 submissions from 2 submitters: Uncertain significance (2). Last evaluated 2025-05-01.

Conditions:
Inborn genetic diseases. Identifiers: MedGen C0950123, MeSH D030342.

gnomAD v4.1: 2 of 1,613,074 alleles (0.00012%); highest among the groups gnomAD compares: Non-Finnish European, 0.00017%; no homozygotes.

Submissions (2):

Ambry Genetics
Classification: Uncertain significance for Inborn genetic diseases. Last evaluated: 2025-05-01. Review status: criteria provided, single submitter. Criteria: Ambry Variant Classification Scheme 2023. Collection method: clinical testing. Allele origin: germline.

GeneDx
Classification: Uncertain significance. Last evaluated: 2024-09-12. Review status: criteria provided, single submitter. Criteria: GeneDx Variant Classification Process June 2021. Collection method: clinical testing. Allele origin: germline. Affected: yes.
Comment: Not observed at significant frequency in large population cohorts (gnomAD); In silico analysis supports that this missense variant has a deleterious effect on protein structure/function; Has not been previously published as pathogenic or benign to our knowledge